The following is an entry in ClinVar:

ClinVar aggregate classification (germline): Conflicting classifications of pathogenicity. Review status: criteria provided, conflicting classifications (1 of 4 stars). 2 submissions from 2 submitters: Uncertain significance (1); Likely benign (1). Last evaluated 2024-09-27.

Conditions:
Hereditary cancer-predisposing syndrome. Also called: Neoplastic Syndromes, Hereditary; Tumor predisposition; Hereditary Cancer Syndrome; Hereditary neoplastic syndrome. Identifiers: Orphanet 140162, MedGen C0027672, MeSH D009386, MONDO:0015356.

Submissions (2):

Ambry Genetics
Classification: Uncertain significance for Hereditary cancer-predisposing syndrome. Last evaluated: 2024-09-27. Review status: criteria provided, single submitter. Criteria: Ambry Variant Classification Scheme 2023. Collection method: clinical testing. Allele origin: germline.
Comment: The p.D1151N variant (also known as c.3451G>A), located in coding exon 9 of the BRCA1 gene, results from a G to A substitution at nucleotide position 3451. The aspartic acid at codon 1151 is replaced by asparagine, an amino acid with highly similar properties. This amino acid position is not well conserved in available vertebrate species, and asparagine is the reference amino acid in other vertebrate species. In addition, the in silico prediction for this alteration is inconclusive. Since supporting evidence is limited at this time, the clinical significance of this alteration remains unclear.

University of Washington Department of Laboratory Medicine, University of Washington
Classification: Likely benign for Hereditary cancer-predisposing syndrome. Last evaluated: 2023-03-23. Review status: criteria provided, single submitter. Criteria: Dines et al. (Genet Med. 2020). Collection method: curation. Allele origin: germline.
Comment: Missense variant in a coldspot region where missense variants are very unlikely to be pathogenic (PMID:31911673).

BRCA1 coldspot (exon 11 using historical exon numbering). Reclassification based on statistical prior probability

NM_007294.4(BRCA1):c.3451G>A (p.Asp1151Asn)

Genes: BRCA1 (BRCA1 DNA repair associated; minus strand), LOC126862571 (BRD4-independent group 4 enhancer GRCh37_chr17:41243136-41244335; plus strand). Cytogenetic location: 17q21.31.
Variant type: single nucleotide variant.
Coding change: c.3451G>A on transcript NM_007294.4 (MANE Select); coding-DNA position 3451, G replaced by A.
Protein change: p.Asp1151Asn; replaces aspartic acid 1151 with asparagine.
Molecular consequence: missense variant. On other transcripts: intron variant (135).
Genome position (GRCh38, 1-based): chr17:43,092,080, C>T on the plus strand (G>A on the coding strand, the complement: BRCA1 is on the minus strand). VCF-style: chr17-43092080-C-T. GRCh37 (hg19) VCF-style: chr17-41244097-C-T.
Other names: c.3310G>A, p.Asp1104Asn (NM_001407730.1, NM_001407731.1, NM_001407728.1 and 29 more transcripts); c.3115G>A, p.Asp1039Asn (NM_001407954.1, NM_001407956.1, NM_001407958.1 and 1 more transcripts); c.3118G>A, p.Asp1040Asn (NM_001407957.1, NM_001407946.1, NM_001407947.1 and 6 more transcripts); c.3070G>A, p.Asp1024Asn (NM_001407960.1, NM_001407959.1, NM_001407963.1); c.3238G>A, p.Asp1080Asn (NM_001407571.1, NM_001407853.1, NM_001407894.1 and 9 more transcripts); c.3451G>A, p.Asp1151Asn (NM_001407581.1, NM_007300.4, NM_001407582.1 and 30 more transcripts); c.3067G>A, p.Asp1023Asn (NM_001407962.1); c.3307G>A, p.Asp1103Asn (NM_001407964.1, NM_001407740.1, NM_001407741.1 and 20 more transcripts); and 41 more; short protein forms D1039N, D1063N, D1103N, D1110N, D1023N, D1040N, D1081N, D1083N.
Identifiers: ClinVar variation 1731571 (VCV001731571.5), dbSNP rs2154314545, ClinGen allele CA10595084.